The following is an entry in ClinVar:

ClinVar aggregate classification (germline): Pathogenic (1 of 4 stars; one submission).

Submission:

GeneDx
Classification: Pathogenic. Last evaluated: 2024-10-16. Review status: criteria provided, single submitter. Criteria: GeneDx Variant Classification Process June 2021. Collection method: clinical testing. Allele origin: germline. Affected: yes.
Comment: Frameshift variant predicted to result in protein truncation or nonsense mediated decay in a gene for which loss of function is a known mechanism of disease; Not observed at significant frequency in large population cohorts (gnomAD); This variant is associated with the following publications: (PMID: 19604113, 16646960)

NM_000273.3(GPR143):c.504_505del (p.Val170fs)

Gene: GPR143 (G protein-coupled receptor 143; minus strand). Cytogenetic location: Xp22.2.
Variant type: Microsatellite.
Coding change: c.504_505del on transcript NM_000273.3 (MANE Select); coding-DNA positions 504 to 505, 2 bases deleted (CT; older notation c.504_505delCT).
Protein change: p.Val170fs; shifts the reading frame from valine 170.
Molecular consequence: frameshift variant.
Genome position (GRCh38, 1-based): chrX:9,748,617-9,748,618, AG deleted on the plus strand (CT on the coding strand, the reverse complement: GPR143 is on the minus strand); deleting any 2 consecutive bases within chrX:9,748,617-9,748,620 gives the same sequence; the c. name uses the placement nearest the transcript's 3' end. VCF-style (leftmost placement, unchanged base first): chrX-9748616-CAG-C. GRCh37 (hg19) VCF-style: chrX-9716656-CAG-C.
Other names: short protein forms V170fs.
Identifiers: ClinVar variation 3780975 (VCV003780975.1).
Genomic context (GRCh38, chrX:9,748,616, plus strand): 5'-GCTGGAGTCCCAACTTACCTGGACACGGAAGGGTAGTAGAGCATGGCGGCTCCCTCCACA[CAG>C]AGCAGGGTGGCCAGGCCCCACGCCATGATGTGATACAGCAGGATGGTGCTAGGGGACAAG-3'